The following is an entry in ClinVar:

ClinVar aggregate classification (germline): Uncertain significance (1 of 4 stars; one submission).

Conditions:
Chédiak-Higashi syndrome (CHS). Also called: Chediak-Higashi Syndrome. Identifiers: Orphanet 167, MedGen C0007965, MONDO:0008963, OMIM 214500.

Allele frequency attached by ClinVar (database versions not stated): gnomAD exomes below 0.00001; ExAC 0.00001.
gnomAD v4.1: 5 of 1,614,092 alleles (0.00031%); highest among the groups gnomAD compares: Non-Finnish European, 0.00034%; no homozygotes.

Submission:

Labcorp Genetics (formerly Invitae), Labcorp
Classification: Uncertain significance for Chédiak-Higashi syndrome. Last evaluated: 2024-01-25. Review status: criteria provided, single submitter. Criteria: Invitae Variant Classification Sherloc (09022015). Collection method: clinical testing. Allele origin: germline.
Comment: This sequence change replaces arginine, which is basic and polar, with glutamine, which is neutral and polar, at codon 1433 of the LYST protein (p.Arg1433Gln). This variant is present in population databases (rs769317170, gnomAD 0.006%). This variant has not been reported in the literature in individuals affected with LYST-related conditions. ClinVar contains an entry for this variant (Variation ID: 2420099). Advanced modeling of protein sequence and biophysical properties (such as structural, functional, and spatial information, amino acid conservation, physicochemical variation, residue mobility, and thermodynamic stability) performed at Invitae indicates that this missense variant is not expected to disrupt LYST protein function with a negative predictive value of 80%. In summary, the available evidence is currently insufficient to determine the role of this variant in disease. Therefore, it has been classified as a Variant of Uncertain Significance.

NM_000081.4(LYST):c.4298G>A (p.Arg1433Gln)

Gene: LYST (lysosomal trafficking regulator; minus strand). Cytogenetic location: 1q42.3.
Variant type: single nucleotide variant.
Coding change: c.4298G>A on transcript NM_000081.4 (MANE Select); coding-DNA position 4298, G replaced by A.
Protein change: p.Arg1433Gln; replaces arginine 1433 with glutamine.
Molecular consequence: missense variant.
Genome position (GRCh38, 1-based): chr1:235,791,944, C>T on the plus strand (G>A on the coding strand, the complement: LYST is on the minus strand). VCF-style: chr1-235791944-C-T. GRCh37 (hg19) VCF-style: chr1-235955244-C-T.
Other names: c.4298G>A, p.Arg1433Gln (NM_001301365.1); short protein forms R1433Q.
Identifiers: ClinVar variation 2420099 (VCV002420099.5), dbSNP rs769317170, ClinGen allele CA1466876.